The following is an entry in ClinVar:

ClinVar aggregate classification (germline): Uncertain significance (1 of 4 stars; one submission).

Conditions:
Phenylketonuria (PKU). Also called: OLIGOPHRENIA PHENYLPYRUVICA; Phenylketonurias; Phenylketonuria (PKU); FOLLING DISEASE. Identifiers: Orphanet 716, MedGen C0031485, MONDO:0009861, OMIM 261600. Disease mechanism: loss of function.

Submission:

Labcorp Genetics (formerly Invitae), Labcorp
Classification: Uncertain significance for Phenylketonuria. Last evaluated: 2022-09-07. Review status: criteria provided, single submitter. Criteria: Invitae Variant Classification Sherloc (09022015). Collection method: clinical testing. Allele origin: germline.
Comment: A copy number gain of the genomic region encompassing the full coding sequence of the PAH gene has been identified. The boundaries of this event are unknown as they extend beyond the assayed region for this gene and therefore may encompass additional genes. As the precise location of this event is unknown, it may be in tandem or it may be located elsewhere in the genome. This variant has not been reported in the literature in individuals affected with PAH-related conditions. In summary, the available evidence is currently insufficient to determine the role of this variant in disease. Therefore, it has been classified as a Variant of Uncertain Significance.

NC_000012.11:g.(?_103232953)_(103310908_?)dup

Gene: PAH (phenylalanine hydroxylase; minus strand). Cytogenetic location: 12q23.2.
Variant type: Duplication.
Identifiers: ClinVar variation 2422788 (VCV002422788.3).